The following is an entry in ClinVar:

ClinVar aggregate classification (germline): Uncertain significance (1 of 4 stars; one submission).

Conditions:
COL18A1-related disorder. Also called: COL18A1-related disorders; COL18A1-related condition.

Allele frequency attached by ClinVar (database versions not stated): TOPMed 0.00004.

Submission:

PreventionGenetics, part of Exact Sciences
Classification: Uncertain significance for COL18A1-related condition. Last evaluated: 2023-11-15. Review status: criteria provided, single submitter. Criteria: ACMG Guidelines, 2015. Collection method: clinical testing. Allele origin: germline.
Comment: The COL18A1 c.3364G>A variant is predicted to result in the amino acid substitution p.Gly1122Ser. To our knowledge, this variant has not been reported in the literature or in a large population database, indicating this variant is rare. At this time, the clinical significance of this variant is uncertain due to the absence of conclusive functional and genetic evidence.

NM_001379500.1(COL18A1):c.2824G>A (p.Gly942Ser)

Genes: COL18A1 (collagen type XVIII alpha 1 chain; plus strand), SLC19A1 (solute carrier family 19 member 1; minus strand). Cytogenetic location: 21q22.3.
Variant type: single nucleotide variant.
Coding change: c.2824G>A on transcript NM_001379500.1 (MANE Select); coding-DNA position 2824, G replaced by A.
Protein change: p.Gly942Ser; replaces glycine 942 with serine.
Molecular consequence: missense variant.
Genome position (GRCh38, 1-based): chr21:45,504,521, G>A. VCF-style: chr21-45504521-G-A. GRCh37 (hg19) VCF-style: chr21-46924435-G-A.
Other names: c.3364G>A, p.Gly1122Ser (NM_030582.4); c.4069G>A, p.Gly1357Ser (NM_130444.3); c.3364G>A (NM_030582.3); short protein forms G942S, G1122S, G1357S.
Identifiers: ClinVar variation 3029440 (VCV003029440.1), dbSNP rs943491304, ClinGen allele CA321921217.